The following is an entry in ClinVar:

ClinVar aggregate classification (germline): Benign/Likely benign. Review status: criteria provided, multiple submitters, no conflicts (2 of 4 stars). 3 submissions from 3 submitters: Benign (1); Likely benign (2). Last evaluated 2025-08-02.

Conditions:
Melanoma, cutaneous malignant, susceptibility to, 3. Also called: Cutaneous malignant melanoma 3. Identifiers: Orphanet 618, MedGen C1836892, MONDO:0012183, OMIM 609048.
Hereditary cancer-predisposing syndrome. Also called: Tumor predisposition; Hereditary neoplastic syndrome; Neoplastic Syndromes, Hereditary; Hereditary Cancer Syndrome. Identifiers: Orphanet 140162, MedGen C0027672, MeSH D009386, MONDO:0015356.
Familial melanoma. Also called: Hereditary melanoma; Hereditary cutaneous melanoma. Identifiers: Orphanet 618, MedGen C1512419, MONDO:0018961.

Allele frequency attached by ClinVar (database versions not stated): gnomAD exomes 0.00001.
gnomAD v4.1: 7 of 1,614,144 alleles (0.00043%); highest among the groups gnomAD compares: Non-Finnish European, 0.00059%; no homozygotes.

Submissions (3):

Labcorp Genetics (formerly Invitae), Labcorp
Classification: Likely benign for Familial melanoma. Last evaluated: 2025-08-02. Review status: criteria provided, single submitter. Criteria: Invitae Variant Classification Sherloc (09022015). Collection method: clinical testing. Allele origin: germline.

Myriad Genetics, Inc.
Classification: Benign for Melanoma, cutaneous malignant, susceptibility to, 3. Last evaluated: 2024-09-24. Review status: criteria provided, single submitter. Criteria: Myriad Autosomal Dominant, Autosomal Recessive and X-Linked Classification Criteria (2023). Collection method: clinical testing. Allele origin: unknown.
Comment: This variant is considered benign. This variant is a silent/synonymous amino acid change and it is not expected to impact splicing.

Ambry Genetics
Classification: Likely benign for Hereditary cancer-predisposing syndrome. Last evaluated: 2019-08-28. Review status: criteria provided, single submitter. Criteria: Ambry Variant Classification Scheme 2023. Collection method: clinical testing. Allele origin: germline.

NM_000075.4(CDK4):c.12T>C (p.Ser4=)

Gene: CDK4 (cyclin dependent kinase 4; minus strand). Cytogenetic location: 12q14.1.
Variant type: single nucleotide variant.
Coding change: c.12T>C on transcript NM_000075.4 (MANE Select); coding-DNA position 12, T replaced by C.
Protein change: p.Ser4=; no amino-acid change (serine 4 retained).
Molecular consequence: synonymous variant.
Genome position (GRCh38, 1-based): chr12:57,751,706, A>G on the plus strand (T>C on the coding strand, the complement: CDK4 is on the minus strand). VCF-style: chr12-57751706-A-G. GRCh37 (hg19) VCF-style: chr12-58145489-A-G.
Identifiers: ClinVar variation 818847 (VCV000818847.10), dbSNP rs1595111261, ClinGen allele CA480404955.
Genomic context (GRCh38, chr12:57,751,706, plus strand): 5'-ACGGGCCTTGTACACTGTCCCATAGGCACCGACACCAATTTCAGCCACTGGCTCATATCG[A>G]GAGGTAGCCATTCTCAGATCAAGGGAGACCCTACAATCACAGACTCCTATCACCAAAAGT-3'
Protein context (NP_000066.1, residues 1-14): MAT[Ser4=]RYEPVAEIGV